The following is an entry in ClinVar:

ClinVar aggregate classification (germline): Uncertain significance (1 of 4 stars; one submission).

Submission:

Labcorp Genetics (formerly Invitae), Labcorp
Classification: Uncertain significance. Last evaluated: 2024-02-24. Review status: criteria provided, single submitter. Criteria: Invitae Variant Classification Sherloc (09022015). Collection method: clinical testing. Allele origin: germline.
Comment: This sequence change replaces glutamic acid, which is acidic and polar, with valine, which is neutral and non-polar, at codon 1876 of the PCNT protein (p.Glu1876Val). This variant is not present in population databases (gnomAD no frequency). This variant has not been reported in the literature in individuals affected with PCNT-related conditions. ClinVar contains an entry for this variant (Variation ID: 2089651). An algorithm developed to predict the effect of missense changes on protein structure and function (PolyPhen-2) suggests that this variant is likely to be disruptive. In summary, the available evidence is currently insufficient to determine the role of this variant in disease. Therefore, it has been classified as a Variant of Uncertain Significance.

NM_006031.6(PCNT):c.5627A>T (p.Glu1876Val)

Gene: PCNT (pericentrin; plus strand). Cytogenetic location: 21q22.3.
Variant type: single nucleotide variant.
Coding change: c.5627A>T on transcript NM_006031.6 (MANE Select); coding-DNA position 5627, A replaced by T.
Protein change: p.Glu1876Val; replaces glutamic acid 1876 with valine.
Molecular consequence: missense variant.
Genome position (GRCh38, 1-based): chr21:46,411,700, A>T. VCF-style: chr21-46411700-A-T. GRCh37 (hg19) VCF-style: chr21-47831614-A-T.
Other names: c.5273A>T, p.Glu1758Val (NM_001315529.2); short protein forms E1876V, E1758V.
Identifiers: ClinVar variation 2089651 (VCV002089651.4), dbSNP rs2518771498, ClinGen allele CA410555324.